The following is an entry in ClinVar:

NM_001605.3(AARS1):c.1994C>T (p.Ala665Val)

Gene: AARS1 (alanyl-tRNA synthetase 1; minus strand). Cytogenetic location: 16q22.1.
Variant type: single nucleotide variant.
Coding change: c.1994C>T on transcript NM_001605.3 (MANE Select); coding-DNA position 1994, C replaced by T.
Protein change: p.Ala665Val; replaces alanine 665 with valine.
Molecular consequence: missense variant.
Genome position (GRCh38, 1-based): chr16:70,258,216, G>A on the plus strand (C>T on the coding strand, the complement: AARS1 is on the minus strand). VCF-style: chr16-70258216-G-A. GRCh37 (hg19) VCF-style: chr16-70292119-G-A.
Other names: short protein forms A665V.
Identifiers: ClinVar variation 3481331 (VCV003481331.3).

ClinVar aggregate classification (germline): Uncertain significance. Review status: criteria provided, multiple submitters, no conflicts (2 of 4 stars). 2 submissions from 2 submitters: Uncertain significance (2). Last evaluated 2024-10-24.

Conditions:
Charcot-Marie-Tooth disease type 2. Also called: Charcot-Marie-Tooth type 2. Identifiers: Orphanet 64746, MedGen C0270914, MONDO:0018993.
Inborn genetic diseases. Identifiers: MedGen C0950123, MeSH D030342.

gnomAD v4.1: 12 of 1,587,564 alleles (0.00076%); highest among the groups gnomAD compares: African/African-American, 0.0027%; no homozygotes.

Submissions (2):

Labcorp Genetics (formerly Invitae), Labcorp
Classification: Uncertain significance for Charcot-Marie-Tooth disease type 2. Last evaluated: 2024-10-24. Review status: criteria provided, single submitter. Criteria: Invitae Variant Classification Sherloc (09022015). Collection method: clinical testing. Allele origin: germline.
Comment: This sequence change replaces alanine, which is neutral and non-polar, with valine, which is neutral and non-polar, at codon 665 of the AARS protein (p.Ala665Val). The frequency data for this variant in the population databases is considered unreliable, as metrics indicate poor data quality at this position in the gnomAD database. This variant has not been reported in the literature in individuals affected with AARS-related conditions. An algorithm developed to predict the effect of missense changes on protein structure and function (PolyPhen-2) suggests that this variant is likely to be tolerated. In summary, the available evidence is currently insufficient to determine the role of this variant in disease. Therefore, it has been classified as a Variant of Uncertain Significance.

Ambry Genetics
Classification: Uncertain significance for Inborn genetic diseases. Last evaluated: 2024-06-26. Review status: criteria provided, single submitter. Criteria: Ambry Variant Classification Scheme 2023. Collection method: clinical testing. Allele origin: germline.